The following is an entry in ClinVar:

ClinVar aggregate classification (germline): Uncertain significance (1 of 4 stars; one submission).

Conditions:
Inborn genetic diseases. Identifiers: MedGen C0950123, MeSH D030342.

gnomAD v4.1: 2 of 1,495,892 alleles (0.00013%); highest among the groups gnomAD compares: South Asian, 0.0027%; no homozygotes.

Submission:

Ambry Genetics
Classification: Uncertain significance for Inborn genetic diseases. Last evaluated: 2026-04-27. Review status: criteria provided, single submitter. Criteria: Ambry Variant Classification Scheme 2023. Collection method: clinical testing. Allele origin: germline.
Comment: The c.2615T>C (p.M872T) alteration is located in exon 9 (coding exon 9) of the CAMTA1 gene. This alteration results from a T to C substitution at nucleotide position 2615, causing the methionine (M) at amino acid position 872 to be replaced by a threonine (T). Based on data from gnomAD, the C allele has an overall frequency of 0.001% (1/152760) total alleles studied. The highest observed frequency was 0.007% (1/13676) of South Asian alleles. Based on insufficient or conflicting evidence, the clinical significance of this alteration remains unclear.

NM_015215.4(CAMTA1):c.2615T>C (p.Met872Thr)

Gene: CAMTA1 (calmodulin binding transcription activator 1; plus strand). Cytogenetic location: 1p36.23.
Variant type: single nucleotide variant.
Coding change: c.2615T>C on transcript NM_015215.4 (MANE Select); coding-DNA position 2615, T replaced by C.
Protein change: p.Met872Thr; replaces methionine 872 with threonine.
Molecular consequence: missense variant.
Genome position (GRCh38, 1-based): chr1:7,665,162, T>C. VCF-style: chr1-7665162-T-C. GRCh37 (hg19) VCF-style: chr1-7725222-T-C.
Other names: c.2615T>C, p.Met872Thr (NM_001349609.2, NM_001349610.2, NM_001410737.1); c.2525T>C, p.Met842Thr (NM_001349612.2, NM_001349608.2); c.2543T>C, p.Met848Thr (NM_001410738.1); short protein forms M842T, M848T, M872T.
Identifiers: ClinVar variation 4868143 (VCV004868143.1).